The following is an entry in ClinVar:

ClinVar aggregate classification (germline): Benign (1 of 4 stars; one submission).

Submission:

GeneDx
Classification: Benign. Last evaluated: 2018-06-14. Review status: criteria provided, single submitter. Criteria: GeneDx Variant Classification (06012015). Collection method: clinical testing. Allele origin: germline. Affected: yes.
Comment: This variant is considered likely benign or benign based on one or more of the following criteria: it is a conservative change, it occurs at a poorly conserved position in the protein, it is predicted to be benign by multiple in silico algorithms, and/or has population frequency not consistent with disease.

NM_001035.3(RYR2):c.10555-229_10555-228del

Gene: RYR2 (ryanodine receptor 2; plus strand). Cytogenetic location: 1q43.
Variant type: Microsatellite.
Coding change: c.10555-229_10555-228del on transcript NM_001035.3 (MANE Select); 229 bases into the intron before coding-DNA position 10555 through 228 bases into the intron before coding-DNA position 10555, 2 bases deleted (TC; older notation c.10555-229_10555-228delTC).
Molecular consequence: intron variant.
Genome position (GRCh38, 1-based): chr1:237,722,899-237,722,900, TC deleted; deleting any 2 consecutive bases within chr1:237,722,896-237,722,900 gives the same sequence; the c. name uses the placement nearest the transcript's 3' end. VCF-style (leftmost placement, unchanged base first): chr1-237722895-ACT-A. GRCh37 (hg19) VCF-style: chr1-237886195-ACT-A.
Identifiers: ClinVar variation 679890 (VCV000679890.1), dbSNP rs3036578, ClinGen allele CA39804071.